The following is an entry in ClinVar:

ClinVar aggregate classification (germline): Uncertain significance (1 of 4 stars; one submission).

Conditions:
Intellectual developmental disorder, X-linked 1. Also called: Atkin Flaitz Patil Smith syndrome; MENTAL RETARDATION, X-LINKED 18; MENTAL RETARDATION, X-LINKED 78; Intellectual disability, X-linked 1. Identifiers: Orphanet 777, MedGen C2931498, MONDO:0010656, OMIM 309530.

Submission:

Labcorp Genetics (formerly Invitae), Labcorp
Classification: Uncertain significance for Intellectual developmental disorder, X-linked 1. Last evaluated: 2025-02-06. Review status: criteria provided, single submitter. Criteria: Invitae Variant Classification Sherloc (09022015). Collection method: clinical testing. Allele origin: germline.
Comment: This sequence change replaces alanine, which is neutral and non-polar, with glycine, which is neutral and non-polar, at codon 190 of the IQSEC2 protein (p.Ala190Gly). This variant is not present in population databases (gnomAD no frequency). This variant has not been reported in the literature in individuals affected with IQSEC2-related conditions. Invitae Evidence Modeling of protein sequence and biophysical properties (such as structural, functional, and spatial information, amino acid conservation, physicochemical variation, residue mobility, and thermodynamic stability) indicates that this missense variant is not expected to disrupt IQSEC2 protein function with a negative predictive value of 95%. In summary, the available evidence is currently insufficient to determine the role of this variant in disease. Therefore, it has been classified as a Variant of Uncertain Significance.

NM_001111125.3(IQSEC2):c.569C>G (p.Ala190Gly)

Gene: IQSEC2 (IQ motif and Sec7 domain ArfGEF 2; minus strand). Cytogenetic location: Xp11.22.
Variant type: single nucleotide variant.
Coding change: c.569C>G on transcript NM_001111125.3 (MANE Select); coding-DNA position 569, C replaced by G.
Protein change: p.Ala190Gly; replaces alanine 190 with glycine.
Molecular consequence: missense variant.
Genome position (GRCh38, 1-based): chrX:53,320,555, G>C on the plus strand (C>G on the coding strand, the complement: IQSEC2 is on the minus strand). VCF-style: chrX-53320555-G-C. GRCh37 (hg19) VCF-style: chrX-53349753-G-C.
Other names: c.569C>G, p.Ala190Gly (NM_001410736.1, NM_001441092.1); short protein forms A190G.
Identifiers: ClinVar variation 4707386 (VCV004707386.1).